The following is an entry in ClinVar:

ClinVar aggregate classification (germline): Uncertain significance. Review status: criteria provided, single submitter (1 of 4 stars). 2 submissions from 1 submitter: Uncertain significance (1). 1 of the submissions does not count toward it. Last evaluated 2024-03-29.

Conditions:
Immunodeficiency 104. Also called: IMMUNODEFICIENCY 104, SEVERE COMBINED; Severe combined immunodeficiency, autosomal recessive, T cell-negative, B cell-positive, NK cell-positive; Severe Combined Immune Deficiency, Autosomal Recessive, TCell -Negative, B Cell-Positive, NK Cell-Positive, IL7R-Related; SCID, AUTOSOMAL RECESSIVE, T CELL-NEGATIVE, B CELL-POSITIVE, NK CELL-POSITIVE. Identifiers: MedGen C5676890, MONDO:0012163, OMIM 608971.

Submissions (2):

Genomic Medicine Center of Excellence, King Faisal Specialist Hospital and Research Centre
Classification: Uncertain significance for Immunodeficiency 104. Last evaluated: 2024-03-29. Review status: criteria provided, single submitter. Criteria: ACMG Guidelines, 2015. Collection method: clinical testing. Allele origin: germline.

Genomic Medicine Center of Excellence, King Faisal Specialist Hospital and Research Centre
Classification: Likely pathogenic. Review status: flagged submission. Criteria: ACMG Guidelines, 2015. Collection method: research. Allele origin: germline. Affected: yes. Not counted in ClinVar's aggregate classification.
ClinVar note: Reason: This record appears to be redundant with a more recent record from the same submitter.
ClinVar note: Notes: SCV000221717 appears to be redundant with SCV004808087.

NM_002185.5(IL7R):c.885del (p.Asn295fs)

Gene: IL7R (interleukin 7 receptor; plus strand). Cytogenetic location: 5p13.2.
Variant type: Deletion.
Coding change: c.885del on transcript NM_002185.5 (MANE Select); coding-DNA position 885, one base deleted (T; older notation c.885delT).
Protein change: p.Asn295fs; shifts the reading frame from asparagine 295.
Molecular consequence: frameshift variant. On other transcripts: non-coding transcript variant (1).
Genome position (GRCh38, 1-based): chr5:35,875,991, T deleted. VCF-style (leftmost placement, unchanged base first): chr5-35875990-AT-A. GRCh37 (hg19) VCF-style: chr5-35876092-AT-A.
Other names: short protein forms N295fs.
Identifiers: ClinVar variation 191326 (VCV000191326.2), dbSNP rs786205646, ClinGen allele CA236441.